The following is an entry in ClinVar:

NM_000026.4(ADSL):c.363G>A (p.Leu121=)

Gene: ADSL (adenylosuccinate lyase; plus strand). Cytogenetic location: 22q13.1.
Variant type: single nucleotide variant.
Coding change: c.363G>A on transcript NM_000026.4 (MANE Select); coding-DNA position 363, G replaced by A.
Protein change: p.Leu121=; no amino-acid change (leucine 121 retained).
Molecular consequence: synonymous variant. On other transcripts: non-coding transcript variant (1).
Genome position (GRCh38, 1-based): chr22:40,353,078, G>A. VCF-style: chr22-40353078-G-A. GRCh37 (hg19) VCF-style: chr22-40749082-G-A.
Other names: p.L121L:TTG>TTA; c.363G>A (NM_000026.3); c.363G>A, p.Leu121= (NM_001123378.3, NM_001363840.3); c.171G>A, p.Leu57= (NM_001317923.2).
Identifiers: ClinVar variation 136311 (VCV000136311.18), dbSNP rs138203195, ClinGen allele CA289320.

ClinVar aggregate classification (germline): Conflicting classifications of pathogenicity. Review status: criteria provided, conflicting classifications (1 of 4 stars). 5 submissions from 5 submitters: Uncertain significance (1); Benign (1); Likely benign (3). Last evaluated 2025-12-09.

Conditions:
ADSL-related disorder. Also called: ADSL-related condition.
Adenylosuccinate lyase deficiency (ADSLD). Also called: ADSL DEFICIENCY. Identifiers: Orphanet 46, MedGen C0268126, MONDO:0007068, OMIM 103050.

Allele frequency attached by ClinVar (database versions not stated): ESP Exome Variant Server 0.00023; ExAC 0.00024; gnomAD exomes 0.00025 and 0.00028; TOPMed 0.00034; gnomAD 0.00036 and 0.00038; 1000 Genomes Project 0.00040; 1000 Genomes Project 30x 0.00047.
gnomAD v4.1: 416 of 1,613,536 alleles (0.026%); highest among the groups gnomAD compares: Non-Finnish European, 0.027%; no homozygotes.

Submissions (5):

PreventionGenetics, part of Exact Sciences
Classification: Likely benign for ADSL-related condition. Last evaluated: 2025-12-09. Review status: criteria provided, single submitter. Criteria: ACMG Guidelines, 2015. Collection method: clinical testing. Allele origin: germline.
Comment: This variant is classified as likely benign based on ACMG/AMP sequence variant interpretation guidelines (Richards et al. 2015 PMID: 25741868, with internal and published modifications).

Labcorp Genetics (formerly Invitae), Labcorp
Classification: Likely benign for Adenylosuccinate lyase deficiency. Last evaluated: 2025-11-09. Review status: criteria provided, single submitter. Criteria: Invitae Variant Classification Sherloc (09022015). Collection method: clinical testing. Allele origin: germline.

Blueprint Genetics
Classification: Likely benign. Last evaluated: 2024-11-26. Review status: criteria provided, single submitter. Criteria: ACMG Guidelines, 2015. Collection method: clinical testing. Allele origin: germline.

Illumina Laboratory Services, Illumina
Classification: Uncertain significance for Adenylosuccinate lyase deficiency. Last evaluated: 2018-03-30. Review status: criteria provided, single submitter. Criteria: ICSL Variant Classification Criteria 13 December 2019. Collection method: clinical testing. Allele origin: germline.

GeneDx
Classification: Benign. Last evaluated: 2013-11-27. Review status: criteria provided, single submitter. Criteria: GeneDx Variant Classification (06012015). Collection method: clinical testing. Allele origin: germline. Affected: yes.
Comment: This variant is considered likely benign or benign based on one or more of the following criteria: it is a conservative change, it occurs at a poorly conserved position in the protein, it is predicted to be benign by multiple in silico algorithms, and/or has population frequency not consistent with disease.